The following is an entry in ClinVar:

ClinVar aggregate classification (germline): Uncertain significance (1 of 4 stars; one submission).

Conditions:
Inborn genetic diseases. Identifiers: MedGen C0950123, MeSH D030342.

Submission:

Ambry Genetics
Classification: Uncertain significance for Inborn genetic diseases. Last evaluated: 2026-02-16. Review status: criteria provided, single submitter. Criteria: Ambry Variant Classification Scheme 2023. Collection method: clinical testing. Allele origin: germline.
Comment: The c.1714G>A (p.V572I) alteration is located in exon 14 (coding exon 14) of the MYO5A gene. This alteration results from a G to A substitution at nucleotide position 1714, causing the valine (V) at amino acid position 572 to be replaced by an isoleucine (I). Based on data from gnomAD, the A allele has an overall frequency of 0.001% (2/249004) total alleles studied. The highest observed frequency was 0.002% (2/113040) of European (non-Finnish) alleles. Based on insufficient or conflicting evidence, the clinical significance of this alteration remains unclear.

NM_001382347.1(MYO5A):c.1714G>A (p.Val572Ile)

Gene: MYO5A (myosin VA; minus strand). Cytogenetic location: 15q21.2.
Variant type: single nucleotide variant.
Coding change: c.1714G>A on transcript NM_001382347.1 (MANE Select); coding-DNA position 1714, G replaced by A.
Protein change: p.Val572Ile; replaces valine 572 with isoleucine.
Molecular consequence: missense variant.
Genome position (GRCh38, 1-based): chr15:52,387,867, C>T on the plus strand (G>A on the coding strand, the complement: MYO5A is on the minus strand). VCF-style: chr15-52387867-C-T. GRCh37 (hg19) VCF-style: chr15-52680064-C-T.
Other names: c.1714G>A, p.Val572Ile (NM_000259.3, NM_001142495.2, NM_001411135.1); c.1786G>A, p.Val596Ile (NM_001382348.1, NM_001382349.1); short protein forms V596I, V572I.
Identifiers: ClinVar variation 4830880 (VCV004830880.1).
Genomic context (GRCh38, chr15:52,387,867, plus strand): 5'-GAGTAAGCCTATCCATAGTTACCTTGCTTGATTTAAGAACTTTAATTTGTTCTTCAAAAA[C>T]GGTGTCTTTATTCTTTTCGAGAAATCCTTCACACTGGTATTCCACCTGAAAACACATGGA-3'
Protein context (NP_001369276.1, residues 562-582): EGFLEKNKDT[Val572Ile]FEEQIKVLKS